The following is an entry in ClinVar:

NM_001018113.3(FANCB):c.506C>T (p.Ser169Phe)

Gene: FANCB (FA complementation group B; minus strand). Cytogenetic location: Xp22.2.
Variant type: single nucleotide variant.
Coding change: c.506C>T on transcript NM_001018113.3 (MANE Select); coding-DNA position 506, C replaced by T.
Protein change: p.Ser169Phe; replaces serine 169 with phenylalanine.
Molecular consequence: missense variant.
Genome position (GRCh38, 1-based): chrX:14,865,005, G>A on the plus strand (C>T on the coding strand, the complement: FANCB is on the minus strand). VCF-style: chrX-14865005-G-A. GRCh37 (hg19) VCF-style: chrX-14883127-G-A.
Other names: c.506C>T, p.Ser169Phe (NM_001324162.2, NM_001410764.1, NM_152633.4); short protein forms S169F.
Identifiers: ClinVar variation 2162809 (VCV002162809.4), dbSNP rs2519011385, ClinGen allele CA412444352.

ClinVar aggregate classification (germline): Uncertain significance (1 of 4 stars; one submission).

Conditions:
Fanconi anemia (FA). Also called: Fanconi's anemia. Identifiers: Orphanet 84, MedGen C0015625, MeSH D005199, MONDO:0019391.

gnomAD v4.1: 2 of 1,210,815 alleles (0.00017%); highest among the groups gnomAD compares: South Asian, 0.0018%; no homozygotes.

Submission:

Labcorp Genetics (formerly Invitae), Labcorp
Classification: Uncertain significance for Fanconi anemia. Last evaluated: 2022-03-14. Review status: criteria provided, single submitter. Criteria: Invitae Variant Classification Sherloc (09022015). Collection method: clinical testing. Allele origin: germline.
Comment: In summary, the available evidence is currently insufficient to determine the role of this variant in disease. Therefore, it has been classified as a Variant of Uncertain Significance. Algorithms developed to predict the effect of missense changes on protein structure and function are either unavailable or do not agree on the potential impact of this missense change (SIFT: "Tolerated"; PolyPhen-2: "Probably Damaging"; Align-GVGD: "Class C0"). This variant has not been reported in the literature in individuals affected with FANCB-related conditions. This variant is not present in population databases (gnomAD no frequency). This sequence change replaces serine, which is neutral and polar, with phenylalanine, which is neutral and non-polar, at codon 169 of the FANCB protein (p.Ser169Phe).